The following is an entry in ClinVar:

NM_001197104.2(KMT2A):c.8570T>A (p.Leu2857Gln)

Gene: KMT2A (lysine methyltransferase 2A; plus strand). Cytogenetic location: 11q23.3.
Variant type: single nucleotide variant.
Coding change: c.8570T>A on transcript NM_001197104.2 (MANE Select); coding-DNA position 8570, T replaced by A.
Protein change: p.Leu2857Gln; replaces leucine 2857 with glutamine.
Molecular consequence: missense variant.
Genome position (GRCh38, 1-based): chr11:118,504,462, T>A. VCF-style: chr11-118504462-T-A. GRCh37 (hg19) VCF-style: chr11-118375177-T-A.
Other names: c.8561T>A, p.Leu2854Gln (NM_005933.4); short protein forms L2857Q, L2854Q.
Identifiers: ClinVar variation 379700 (VCV000379700.2), dbSNP rs1057520696, ClinGen allele CA16605859.

ClinVar aggregate classification (germline): Pathogenic (1 of 4 stars; one submission).

Submission:

GeneDx
Classification: Pathogenic. Last evaluated: 2015-05-20. Review status: criteria provided, single submitter. Criteria: GeneDx Variant Classification (06012015). Collection method: clinical testing. Allele origin: germline. Affected: yes.
Comment: The L2857Q variant in the KMT2A gene has not been reported previously as a pathogenic variantnor as a benign polymorphism, to our knowledge. The L2857Q substitution was not observed in approximately6500 individuals of European and African American ancestry in the NHLBI Exome Sequencing Project,indicating it is not a common benign variant in these populations. The L2857Q variant is a non-conservative amino acid substitution, which is likely to impact secondary protein structure as these residuesdiffer in polarity, charge, size and/or other properties. This substitution occurs at a position that isconserved across species. In silico analysis predicts this variant is probably damaging to the proteinstructure/function. We interpret L2857Q as a pathogenic variant.